The following is an entry in ClinVar:

NM_005908.4(MANBA):c.780dup (p.Gln261fs)

Gene: MANBA (mannosidase beta; minus strand). Cytogenetic location: 4q24.
Variant type: Duplication.
Coding change: c.780dup on transcript NM_005908.4 (MANE Select); coding-DNA position 780, one base duplicated (A; older notation c.780dupA).
Protein change: p.Gln261fs; shifts the reading frame from glutamine 261.
Molecular consequence: frameshift variant.
Genome position (GRCh38, 1-based): chr4:102,690,665, T duplicated on the plus strand (A on the coding strand, the reverse complement: MANBA is on the minus strand). VCF-style (leftmost placement, unchanged base first): chr4-102690664-G-GT. GRCh37 (hg19) VCF-style: chr4-103611821-G-GT.
Other names: short protein forms Q261fs.
Identifiers: ClinVar variation 2848394 (VCV002848394.3), dbSNP rs2476807479, ClinGen allele CA2671587048.

ClinVar aggregate classification (germline): Pathogenic (1 of 4 stars; one submission).

Conditions:
Beta-D-mannosidosis (MANSB). Also called: MANNOSIDOSIS, BETA A, LYSOSOMAL; BETA-MANNOSIDASE DEFICIENCY; LYSOSOMAL BETA-MANNOSIDASE DEFICIENCY; Beta-Mannosidosis. Identifiers: Orphanet 118, MedGen C4048196, MONDO:0009562, OMIM 248510.

Allele frequency attached by ClinVar (database versions not stated): gnomAD exomes below 0.00001.

Submission:

Labcorp Genetics (formerly Invitae), Labcorp
Classification: Pathogenic for Beta-D-mannosidosis. Last evaluated: 2023-03-22. Review status: criteria provided, single submitter. Criteria: Invitae Variant Classification Sherloc (09022015). Collection method: clinical testing. Allele origin: germline.
Comment: This sequence change creates a premature translational stop signal (p.Gln261Thrfs*7) in the MANBA gene. It is expected to result in an absent or disrupted protein product. Loss-of-function variants in MANBA are known to be pathogenic (PMID: 9384606, 12468273). This variant is not present in population databases (gnomAD no frequency). This variant has not been reported in the literature in individuals affected with MANBA-related conditions. For these reasons, this variant has been classified as Pathogenic.

Literature cited by the submitters: PubMed 9384606; PubMed 12468273.